The following is an entry in ClinVar:

ClinVar aggregate classification (germline): Likely benign (1 of 4 stars; one submission).

Conditions:
Hypertrophic cardiomyopathy. Also called: HYPERTROPHIC MYOCARDIOPATHY. Identifiers: Orphanet 217569, MedGen C0007194, MeSH D002312, MONDO:0005045, HP:0001639.

gnomAD v4.1: 6 of 1,613,992 alleles (0.00037%); highest among the groups gnomAD compares: African/African-American, 0.0013%; no homozygotes.

Submission:

All of Us Research Program, National Institutes of Health
Classification: Likely benign for Hypertrophic cardiomyopathy. Last evaluated: 2023-08-15. Review status: criteria provided, single submitter. Criteria: ACMG Guidelines, 2015. Collection method: clinical testing. Allele origin: germline. Inheritance: Autosomal dominant inheritance. Observed: 1 variant allele, 1 heterozygote.
Comment: This study involves interpretation of variants in research participants for the purpose of population health screening. Participant phenotype was not available at the time of variant classification. Additional details can be found in publication PMID: 35346344, PMCID: PMC8962531

NM_016203.4(PRKAG2):c.636G>C (p.Pro212=)

Gene: PRKAG2 (protein kinase AMP-activated non-catalytic subunit gamma 2; minus strand). Cytogenetic location: 7q36.1.
Variant type: single nucleotide variant.
Coding change: c.636G>C on transcript NM_016203.4 (MANE Select); coding-DNA position 636, G replaced by C.
Protein change: p.Pro212=; no amino-acid change (proline 212 retained).
Molecular consequence: synonymous variant. On other transcripts: intron variant (5).
Genome position (GRCh38, 1-based): chr7:151,675,468, C>G on the plus strand (G>C on the coding strand, the complement: PRKAG2 is on the minus strand). VCF-style: chr7-151675468-C-G. GRCh37 (hg19) VCF-style: chr7-151372554-C-G.
Other names: c.504G>C, p.Pro168= (NM_001040633.2, NM_001407024.1, NM_001407026.1 and 1 more transcripts); c.264G>C, p.Pro88= (NM_001304527.2, NM_001363698.2, NM_001407028.1 and 1 more transcripts); c.636G>C, p.Pro212= (NM_001407021.1, NM_001407022.1, NM_001407023.1); c.318G>C, p.Pro106= (NM_001407032.1); c.467-80017G>C (NM_001407031.1); c.467-80014G>C (NM_001407030.1); c.361-43330G>C (NM_001407033.1); c.94+60432G>C (NM_001407037.1); and 1 more.
Identifiers: ClinVar variation 3072817 (VCV003072817.1), dbSNP rs149820808, ClinGen allele CA458798306.
Genomic context (GRCh38, chr7:151,675,468, plus strand): 5'-GCCCAGACTTACGGCTTTGGAGGGAGCATAGTGTGTCGGTGATGCCAGTGGAGGCCTGGT[C>G]GGGCTCTGGAAGGAAGACGGGCAGAACCTCTGCCCTGTGTCCGGGGGGGAAGACGAGGCA-3'
Protein context (NP_057287.2, residues 202-222): QRFCPSSFQS[Pro212=]TRPPLASPTH